The following is an entry in ClinVar:

ClinVar aggregate classification (germline): Likely benign. Review status: criteria provided, multiple submitters, no conflicts (2 of 4 stars). 2 submissions from 2 submitters: Likely benign (2). Last evaluated 2026-06-27.

Conditions:
BBS9-related disorder. Also called: BBS9-related condition.
Bardet-Biedl syndrome (BBS). Identifiers: Orphanet 110, MedGen C0752166, MONDO:0015229.

gnomAD v4.1: 1 of 1,613,944 alleles (0.000062%); highest among the groups gnomAD compares: Non-Finnish European, 0.000085%; no homozygotes.

Submissions (2):

PreventionGenetics, part of Exact Sciences
Classification: Likely benign for BBS9-related condition. Last evaluated: 2026-06-27. Review status: criteria provided, single submitter. Criteria: ACMG Guidelines, 2015. Collection method: clinical testing. Allele origin: germline.
Comment: This variant is classified as likely benign based on ACMG/AMP sequence variant interpretation guidelines (Richards et al. 2015 PMID: 25741868, with internal and published modifications).

Labcorp Genetics (formerly Invitae), Labcorp
Classification: Likely benign for Bardet-Biedl syndrome. Last evaluated: 2024-10-30. Review status: criteria provided, single submitter. Criteria: Invitae Variant Classification Sherloc (09022015). Collection method: clinical testing. Allele origin: germline.

NM_198428.3(BBS9):c.2361T>C (p.Ser787=)

Gene: BBS9 (Bardet-Biedl syndrome 9; plus strand). Cytogenetic location: 7p14.3.
Variant type: single nucleotide variant.
Coding change: c.2361T>C on transcript NM_198428.3 (MANE Select); coding-DNA position 2361, T replaced by C.
Protein change: p.Ser787=; no amino-acid change (serine 787 retained).
Molecular consequence: synonymous variant. On other transcripts: non-coding transcript variant (3).
Genome position (GRCh38, 1-based): chr7:33,534,016, T>C. VCF-style: chr7-33534016-T-C. GRCh37 (hg19) VCF-style: chr7-33573628-T-C.
Other names: c.2256T>C, p.Ser752= (NM_001033604.2); c.2346T>C, p.Ser782= (NM_001033605.2); c.2361T>C, p.Ser787= (NM_001348036.1, NM_001348041.4, NM_001348043.3 and 1 more transcripts); c.1812T>C, p.Ser604= (NM_001348037.3); c.2088T>C, p.Ser696= (NM_001348038.3); c.1983T>C, p.Ser661= (NM_001348039.3); c.2241T>C, p.Ser747= (NM_001348040.3, NM_014451.4); c.2226T>C, p.Ser742= (NM_001348042.3); and 3 more.
Identifiers: ClinVar variation 3699384 (VCV003699384.3).